The following is an entry in ClinVar:

ClinVar aggregate classification (germline): Conflicting classifications of pathogenicity. Review status: criteria provided, conflicting classifications (1 of 4 stars). 2 submissions from 2 submitters: Uncertain significance (1); Likely benign (1). Last evaluated 2026-02-01.

gnomAD v4.1: 379 of 1,545,190 alleles (0.025%); highest among the groups gnomAD compares: African/African-American, 0.46%; no homozygotes.

Submissions (2):

CeGaT Center for Human Genetics Tuebingen
Classification: Likely benign. Last evaluated: 2026-02-01. Review status: criteria provided, single submitter. Criteria: CeGaT Center For Human Genetics Tuebingen Variant Classification Criteria Version 2. Collection method: clinical testing. Allele origin: germline. Affected: yes. Observed: 1 variant allele.
Comment: COL6A5: BS2

Blueprint Genetics
Classification: Uncertain significance. Last evaluated: 2024-09-13. Review status: criteria provided, single submitter. Criteria: ACMG Guidelines, 2015. Collection method: clinical testing. Allele origin: germline.

NM_001278298.2(COL6A5):c.4608+1G>A

Gene: COL6A5 (collagen type VI alpha 5 chain; plus strand). Cytogenetic location: 3q22.1.
Variant type: single nucleotide variant.
Coding change: c.4608+1G>A on transcript NM_001278298.2 (MANE Select); the canonical splice donor site of the intron after coding-DNA position 4608, G replaced by A.
Molecular consequence: splice donor variant.
Genome position (GRCh38, 1-based): chr3:130,410,075, G>A. VCF-style: chr3-130410075-G-A. GRCh37 (hg19) VCF-style: chr3-130128919-G-A.
Other names: c.4608+1G>A (NM_153264.7).
Identifiers: ClinVar variation 4821924 (VCV004821924.5).
Genomic context (GRCh38, chr3:130,410,075, plus strand): 5'-CCAGGACAAAACAATAACATCAAAGGACAAAAGGGCTCCAAAGGAGAACAAGGAAGACAA[G>A]TAATTTGATCTGTTTTATCTATGAGTTGATTAATTCTGTTATTGATCCAAGTAAATTTAG-3'